The following is an entry in ClinVar:

NM_182919.4(TICAM1):c.1857A>G (p.Pro619=)

Gene: TICAM1 (TIR domain containing adaptor molecule 1; minus strand). Cytogenetic location: 19p13.3.
Variant type: single nucleotide variant.
Coding change: c.1857A>G on transcript NM_182919.4 (MANE Select); coding-DNA position 1857, A replaced by G.
Protein change: p.Pro619=; no amino-acid change (proline 619 retained).
Molecular consequence: synonymous variant.
Genome position (GRCh38, 1-based): chr19:4,816,521, T>C on the plus strand (A>G on the coding strand, the complement: TICAM1 is on the minus strand). VCF-style: chr19-4816521-T-C. GRCh37 (hg19) VCF-style: chr19-4816533-T-C.
Other names: c.1815A>G, p.Pro605= (NM_001385678.1); c.1722A>G, p.Pro574= (NM_001385679.1); c.1215A>G, p.Pro405= (NM_001385680.1).
Identifiers: ClinVar variation 2649081 (VCV002649081.24), dbSNP rs2146167439, ClinGen allele CA505174134.

ClinVar aggregate classification (germline): Likely benign (1 of 4 stars; one submission).

Submission:

CeGaT Center for Human Genetics Tuebingen
Classification: Likely benign. Last evaluated: 2023-08-01. Review status: criteria provided, single submitter. Criteria: CeGaT Center For Human Genetics Tuebingen Variant Classification Criteria Version 2. Collection method: clinical testing. Allele origin: germline. Affected: yes. Observed: 1 variant allele.
Comment: TICAM1: PM2:Supporting, BP4, BP7